The following is an entry in ClinVar:

ClinVar aggregate classification (germline): Uncertain significance. Review status: criteria provided, multiple submitters, no conflicts (2 of 4 stars). 2 submissions from 2 submitters: Uncertain significance (2). Last evaluated 2024-12-21.

Conditions:
Cardiovascular phenotype. Identifiers: MedGen CN230736.
Long QT syndrome (LQTS). Identifiers: MedGen C0023976, MeSH D008133, MONDO:0002442. Disease mechanism: loss of function. Inheritance: Various modes of inheritance.

Allele frequency attached by ClinVar (database versions not stated): gnomAD exomes below 0.00001; TOPMed below 0.00001.

Submissions (2):

Ambry Genetics
Classification: Uncertain significance for Cardiovascular phenotype. Last evaluated: 2024-12-21. Review status: criteria provided, single submitter. Criteria: Ambry Variant Classification Scheme 2023. Collection method: clinical testing. Allele origin: germline.
Comment: The p.G140D variant (also known as c.419G>A), located in coding exon 5 of the AKAP9 gene, results from a G to A substitution at nucleotide position 419. The glycine at codon 140 is replaced by aspartic acid, an amino acid with similar properties. This amino acid position is well conserved in available vertebrate species. In addition, this alteration is predicted to be tolerated by in silico analysis. The evidence for this gene-disease relationship is limited; therefore, the clinical significance of this alteration is unclear.

Labcorp Genetics (formerly Invitae), Labcorp
Classification: Uncertain significance for Long QT syndrome. Last evaluated: 2019-11-19. Review status: criteria provided, single submitter. Criteria: Invitae Variant Classification Sherloc (09022015). Collection method: clinical testing. Allele origin: germline.
Comment: This sequence change replaces glycine with aspartic acid at codon 140 of the AKAP9 protein (p.Gly140Asp). The glycine residue is weakly conserved and there is a moderate physicochemical difference between glycine and aspartic acid. In summary, the available evidence is currently insufficient to determine the role of this variant in disease. Therefore, it has been classified as a Variant of Uncertain Significance. Algorithms developed to predict the effect of missense changes on protein structure and function (SIFT, PolyPhen-2, Align-GVGD) all suggest that this variant is likely to be tolerated, but these predictions have not been confirmed by published functional studies and their clinical significance is uncertain. This variant has not been reported in the literature in individuals with AKAP9-related conditions. This variant is not present in population databases (ExAC no frequency).

NM_005751.5(AKAP9):c.419G>A (p.Gly140Asp)

Gene: AKAP9 (A-kinase anchoring protein 9; plus strand). Cytogenetic location: 7q21.2.
Variant type: single nucleotide variant.
Coding change: c.419G>A on transcript NM_005751.5 (MANE Select); coding-DNA position 419, G replaced by A.
Protein change: p.Gly140Asp; replaces glycine 140 with aspartic acid.
Molecular consequence: missense variant.
Genome position (GRCh38, 1-based): chr7:91,992,898, G>A. VCF-style: chr7-91992898-G-A. GRCh37 (hg19) VCF-style: chr7-91622212-G-A.
Other names: c.419G>A, p.Gly140Asp (NM_147185.3); short protein forms G140D.
Identifiers: ClinVar variation 836385 (VCV000836385.12), dbSNP rs1447648184, ClinGen allele CA368119358.